The following is an entry in ClinVar:

ClinVar aggregate classification (germline): Uncertain significance. Review status: criteria provided, single submitter (1 of 4 stars). 2 submissions from 2 submitters: Uncertain significance (1). 1 of the submissions does not count toward it. Last evaluated 2023-12-27.

Conditions:
STXBP5L-related disorder. Also called: STXBP5L-related condition.

Allele frequency attached by ClinVar (database versions not stated): gnomAD 0.00004; gnomAD exomes 0.00005; TOPMed 0.00006; ExAC 0.00012; ESP Exome Variant Server 0.00017.
gnomAD v4.1: 86 of 1,613,192 alleles (0.0053%); highest among the groups gnomAD compares: African/African-American, 0.0013%; 1 homozygote.

Submissions (2):

Ambry Genetics
Classification: Uncertain significance. Last evaluated: 2023-12-27. Review status: criteria provided, single submitter. Criteria: Ambry Variant Classification Scheme 2023. Collection method: clinical testing. Allele origin: germline.

PreventionGenetics, part of Exact Sciences
Classification: Likely benign for STXBP5L-related condition. Last evaluated: 2024-05-02. Review status: no assertion criteria provided. Collection method: clinical testing. Allele origin: germline. Not counted in ClinVar's aggregate classification.
Comment: This variant is classified as likely benign based on ACMG/AMP sequence variant interpretation guidelines (Richards et al. 2015 PMID: 25741868, with internal and published modifications).

NM_001308330.2(STXBP5L):c.2774A>G (p.Tyr925Cys)

Gene: STXBP5L (syntaxin binding protein 5L; plus strand). Cytogenetic location: 3q13.33.
Variant type: single nucleotide variant.
Coding change: c.2774A>G on transcript NM_001308330.2 (MANE Select); coding-DNA position 2774, A replaced by G.
Protein change: p.Tyr925Cys; replaces tyrosine 925 with cysteine.
Molecular consequence: missense variant. On other transcripts: non-coding transcript variant (1).
Genome position (GRCh38, 1-based): chr3:121,407,429, A>G. VCF-style: chr3-121407429-A-G. GRCh37 (hg19) VCF-style: chr3-121126276-A-G.
Other names: c.2846A>G, p.Tyr949Cys (NM_001348343.2, NM_014980.3); c.2774A>G, p.Tyr925Cys (NM_001348344.2, NM_001348345.2); short protein forms Y949C, Y925C.
Identifiers: ClinVar variation 3171829 (VCV003171829.2), dbSNP rs376002630, ClinGen allele CA2561878.